The following is an entry in ClinVar:

ClinVar aggregate classification (germline): Uncertain significance (1 of 4 stars; one submission).

gnomAD v4.1: 2 of 1,613,070 alleles (0.00012%); highest among the groups gnomAD compares: Admixed American, 0.0017%; no homozygotes.

Submission:

CeGaT Center for Human Genetics Tuebingen
Classification: Uncertain significance. Last evaluated: 2024-03-01. Review status: criteria provided, single submitter. Criteria: CeGaT Center For Human Genetics Tuebingen Variant Classification Criteria Version 2. Collection method: clinical testing. Allele origin: germline. Affected: yes. Observed: 1 variant allele.
Comment: COL12A1: PM2

NM_004370.6(COL12A1):c.6202G>C (p.Asp2068His)

Gene: COL12A1 (collagen type XII alpha 1 chain; minus strand). Cytogenetic location: 6q13.
Variant type: single nucleotide variant.
Coding change: c.6202G>C on transcript NM_004370.6 (MANE Select); coding-DNA position 6202, G replaced by C.
Protein change: p.Asp2068His; replaces aspartic acid 2068 with histidine.
Molecular consequence: missense variant.
Genome position (GRCh38, 1-based): chr6:75,130,099, C>G on the plus strand (G>C on the coding strand, the complement: COL12A1 is on the minus strand). VCF-style: chr6-75130099-C-G. GRCh37 (hg19) VCF-style: chr6-75839815-C-G.
Other names: c.6202G>C, p.Asp2068His (NM_001424113.1); c.6181G>C, p.Asp2061His (NM_001424114.1); c.5929G>C, p.Asp1977His (NM_001424115.1); c.2710G>C, p.Asp904His (NM_001424116.1, NM_080645.3); short protein forms D1977H, D2061H, D2068H, D904H.
Identifiers: ClinVar variation 3067356 (VCV003067356.21), dbSNP rs751691332, ClinGen allele CA364730788.